The following is an entry in ClinVar:

NM_000188.3(HK1):c.1072C>T (p.Arg358Cys)

Gene: HK1 (hexokinase 1; plus strand). Cytogenetic location: 10q22.1.
Variant type: single nucleotide variant.
Coding change: c.1072C>T on transcript NM_000188.3 (MANE Select); coding-DNA position 1072, C replaced by T.
Protein change: p.Arg358Cys; replaces arginine 358 with cysteine.
Molecular consequence: missense variant.
Genome position (GRCh38, 1-based): chr10:69,379,902, C>T. VCF-style: chr10-69379902-C-T. GRCh37 (hg19) VCF-style: chr10-71139658-C-T.
Other names: c.1084C>T, p.Arg362Cys (NM_001322364.2, NM_001358263.1, NM_033497.3 and 1 more transcripts); c.1177C>T, p.Arg393Cys (NM_001322365.2); c.988C>T, p.Arg330Cys (NM_001322366.1); c.976C>T, p.Arg326Cys (NM_001322367.1); c.1069C>T, p.Arg357Cys (NM_033496.3); c.1036C>T, p.Arg346Cys (NM_033500.2); short protein forms R362C, R393C, R330C, R358C, R326C, R357C, R346C.
Identifiers: ClinVar variation 2314913 (VCV002314913.4), dbSNP rs147132442, ClinGen allele CA5532504.

ClinVar aggregate classification (germline): Uncertain significance. Review status: criteria provided, multiple submitters, no conflicts (2 of 4 stars). 3 submissions from 3 submitters: Uncertain significance (3). Last evaluated 2026-01-04.

Conditions:
HK1-related disorder. Also called: HK1-related disorders; HK1-related condition.
Inborn genetic diseases. Identifiers: MedGen C0950123, MeSH D030342.

Allele frequency attached by ClinVar (database versions not stated): gnomAD exomes 0.00002; ExAC 0.00008; gnomAD 0.00008; 1000 Genomes Project 30x 0.00016; 1000 Genomes Project 0.00020.
gnomAD v4.1: 43 of 1,614,134 alleles (0.0027%); highest among the groups gnomAD compares: East Asian, 0.036%; no homozygotes.

Submissions (3):

PreventionGenetics, part of Exact Sciences
Classification: Uncertain significance for HK1-related condition. Last evaluated: 2026-01-04. Review status: criteria provided, single submitter. Criteria: ACMG Guidelines, 2015. Collection method: clinical testing. Allele origin: germline.
Comment: The HK1 c.1072C>T variant is predicted to result in the amino acid substitution p.Arg358Cys. To our knowledge, this variant has not been reported in the literature. This variant is reported in 0.090% of alleles in individuals of East Asian descent in gnomAD, which may be too frequent to be a primary cause of disease. Although we suspect that this variant may be benign, at this time, the clinical significance of this variant is uncertain due to the absence of conclusive functional and genetic evidence.

Labcorp Genetics (formerly Invitae), Labcorp
Classification: Uncertain significance. Last evaluated: 2025-11-10. Review status: criteria provided, single submitter. Criteria: Invitae Variant Classification Sherloc (09022015). Collection method: clinical testing. Allele origin: germline.
Comment: This sequence change replaces arginine, which is basic and polar, with cysteine, which is neutral and slightly polar, at codon 358 of the HK1 protein (p.Arg358Cys). This variant is present in population databases (rs147132442, gnomAD 0.08%). This variant has not been reported in the literature in individuals affected with HK1-related conditions. ClinVar contains an entry for this variant (Variation ID: 2314913). Invitae Evidence Modeling of protein sequence and biophysical properties (such as structural, functional, and spatial information, amino acid conservation, physicochemical variation, residue mobility, and thermodynamic stability) indicates that this missense variant is not expected to disrupt HK1 protein function with a negative predictive value of 80%. In summary, the available evidence is currently insufficient to determine the role of this variant in disease. Therefore, it has been classified as a Variant of Uncertain Significance.

Ambry Genetics
Classification: Uncertain significance for Inborn genetic diseases. Last evaluated: 2022-10-03. Review status: criteria provided, single submitter. Criteria: Ambry Variant Classification Scheme 2023. Collection method: clinical testing. Allele origin: germline.